The following is an entry in ClinVar:

NM_004329.3(BMPR1A):c.1015G>A (p.Ala339Thr)

Gene: BMPR1A (bone morphogenetic protein receptor type 1A; plus strand). Cytogenetic location: 10q23.2.
Variant type: single nucleotide variant.
Coding change: c.1015G>A on transcript NM_004329.3 (MANE Select); coding-DNA position 1015, G replaced by A.
Protein change: p.Ala339Thr; replaces alanine 339 with threonine.
Molecular consequence: missense variant.
Genome position (GRCh38, 1-based): chr10:86,919,318, G>A. VCF-style: chr10-86919318-G-A. GRCh37 (hg19) VCF-style: chr10-88679075-G-A.
Other names: short protein forms A339T.
Identifiers: ClinVar variation 935902 (VCV000935902.15), dbSNP rs758432395, ClinGen allele CA5585640.

ClinVar aggregate classification (germline): Uncertain significance. Review status: criteria provided, multiple submitters, no conflicts (2 of 4 stars). 4 submissions from 4 submitters: Uncertain significance (4). Last evaluated 2025-05-24.

Conditions:
Polyposis syndrome, hereditary mixed, 2. Identifiers: Orphanet 157794, MedGen C1864730, MONDO:0012405, OMIM 610069.
Hereditary cancer-predisposing syndrome. Also called: Tumor predisposition; Hereditary neoplastic syndrome; Neoplastic Syndromes, Hereditary; Hereditary Cancer Syndrome. Identifiers: Orphanet 140162, MedGen C0027672, MeSH D009386, MONDO:0015356.
Juvenile polyposis syndrome (JPS). Identifiers: Orphanet 2929, MedGen C0345893, MONDO:0017380, OMIM 174900.

Allele frequency attached by ClinVar (database versions not stated): gnomAD exomes below 0.00001; ExAC 0.00001.
gnomAD v4.1: 2 of 1,613,806 alleles (0.00012%); highest among the groups gnomAD compares: Admixed American, 0.0017%; no homozygotes.

Submissions (4):

Ambry Genetics
Classification: Uncertain significance for Hereditary cancer-predisposing syndrome. Last evaluated: 2025-05-24. Review status: criteria provided, single submitter. Criteria: Ambry Variant Classification Scheme 2023. Collection method: clinical testing. Allele origin: germline.
Comment: The p.A339T variant (also known as c.1015G>A), located in coding exon 8 of the BMPR1A gene, results from a G to A substitution at nucleotide position 1015. The alanine at codon 339 is replaced by threonine, an amino acid with similar properties. This amino acid position is highly conserved in available vertebrate species. In addition, this alteration is predicted to be deleterious by in silico analysis. Based on the available evidence, the clinical significance of this variant remains unclear.

Labcorp Genetics (formerly Invitae), Labcorp
Classification: Uncertain significance for Juvenile polyposis syndrome. Last evaluated: 2025-02-03. Review status: criteria provided, single submitter. Criteria: Invitae Variant Classification Sherloc (09022015). Collection method: clinical testing. Allele origin: germline.
Comment: This sequence change replaces alanine, which is neutral and non-polar, with threonine, which is neutral and polar, at codon 339 of the BMPR1A protein (p.Ala339Thr). This variant is present in population databases (rs758432395, gnomAD 0.003%). This variant has not been reported in the literature in individuals affected with BMPR1A-related conditions. ClinVar contains an entry for this variant (Variation ID: 935902). Invitae Evidence Modeling of protein sequence and biophysical properties (such as structural, functional, and spatial information, amino acid conservation, physicochemical variation, residue mobility, and thermodynamic stability) indicates that this missense variant is not expected to disrupt BMPR1A protein function with a negative predictive value of 80%. In summary, the available evidence is currently insufficient to determine the role of this variant in disease. Therefore, it has been classified as a Variant of Uncertain Significance.

GeneDx
Classification: Uncertain significance. Last evaluated: 2025-01-21. Review status: criteria provided, single submitter. Criteria: GeneDx Variant Classification Process June 2021. Collection method: clinical testing. Allele origin: germline. Affected: yes.
Comment: Not observed at significant frequency in large population cohorts (gnomAD); In silico analysis supports that this missense variant has a deleterious effect on protein structure/function; Has not been previously published as pathogenic or benign to our knowledge; Also known as p.A316T

Baylor Genetics
Classification: Uncertain significance for Polyposis syndrome, hereditary mixed, 2. Last evaluated: 2023-05-11. Review status: criteria provided, single submitter. Criteria: ACMG Guidelines, 2015. Collection method: clinical testing. Allele origin: unknown.